The following is an entry in ClinVar:

ClinVar aggregate classification (germline): Likely benign. Review status: criteria provided, multiple submitters, no conflicts (2 of 4 stars). 4 submissions from 4 submitters: Likely benign (3). 1 of the submissions does not count toward it. Last evaluated 2026-02-02.

Conditions:
DNAH8-related disorder. Also called: DNAH8-related condition.
Primary ciliary dyskinesia. Also called: Ciliary dyskinesia. Identifiers: Orphanet 244, MedGen C0008780, MONDO:0016575, HP:0012265.

Allele frequency attached by ClinVar (database versions not stated): gnomAD 0.00205 and 0.00199; ESP Exome Variant Server 0.00231; gnomAD exomes 0.00319 and 0.00180; 1000 Genomes Project 0.00120; 1000 Genomes Project 30x 0.00141; ExAC 0.00160; TOPMed 0.00182.
gnomAD v4.1: 4,863 of 1,602,132 alleles (0.3%); highest among the groups gnomAD compares: Non-Finnish European, 0.38%; 11 homozygotes.

Submissions (4):

Labcorp Genetics (formerly Invitae), Labcorp
Classification: Likely benign for Primary ciliary dyskinesia. Last evaluated: 2026-02-02. Review status: criteria provided, single submitter. Criteria: Invitae Variant Classification Sherloc (09022015). Collection method: clinical testing. Allele origin: germline.

UNC Molecular Genetics  Laboratory, University of North Carolina at Chapel Hill
Classification: Likely benign for Primary ciliary dyskinesia. Last evaluated: 2017-11-07. Review status: criteria provided, single submitter. Criteria: ACMG Guidelines, 2015. Collection method: clinical testing. Allele origin: germline. Affected: no. Observed: 1 heterozygote.

Breakthrough Genomics
Classification: Likely benign. Review status: criteria provided, single submitter. Criteria: ACMG Guidelines, 2015. Collection method: not provided. Allele origin: germline. Inheritance: Autosomal recessive inheritance. Affected: yes.

PreventionGenetics, part of Exact Sciences
Classification: Likely benign for DNAH8-related condition. Last evaluated: 2022-01-31. Review status: no assertion criteria provided. Collection method: clinical testing. Allele origin: germline. Not counted in ClinVar's aggregate classification.
Comment: This variant is classified as likely benign based on ACMG/AMP sequence variant interpretation guidelines (Richards et al. 2015 PMID: 25741868, with internal and published modifications).

NM_001206927.2(DNAH8):c.13381C>T (p.Arg4461Cys)

Gene: DNAH8 (dynein axonemal heavy chain 8; plus strand). Cytogenetic location: 6p21.2.
Variant type: single nucleotide variant.
Coding change: c.13381C>T on transcript NM_001206927.2 (MANE Select); coding-DNA position 13381, C replaced by T.
Protein change: p.Arg4461Cys; replaces arginine 4461 with cysteine.
Molecular consequence: missense variant.
Genome position (GRCh38, 1-based): chr6:39,012,224, C>T. VCF-style: chr6-39012224-C-T. GRCh37 (hg19) VCF-style: chr6-38980000-C-T.
Other names: c.12730C>T, p.Arg4244Cys (NM_001371.4); short protein forms R4461C, R4244C.
Identifiers: ClinVar variation 414397 (VCV000414397.16), dbSNP rs143714496, ClinGen allele CA3791663.
Genomic context (GRCh38, chr6:39,012,224, plus strand): 5'-GAAATGTCAGATGAGAAAATCTCCTTTATTGCATTGTTTACTTTGTTTTAGGTGAAATCT[C>T]GTTTGATAAAGATGGGCCATCTTAATTCAATGAACATATTTCTTAGACAAGAAATTGACA-3'
Protein context (NP_001193856.1, residues 4451-4471): PDYIPHEVKS[Arg4461Cys]LIKMGHLNSM